The following is an entry in ClinVar:

NM_000452.3(SLC10A2):c.568G>A (p.Ala190Thr)

Gene: SLC10A2 (solute carrier family 10 member 2; minus strand). Cytogenetic location: 13q33.1.
Variant type: single nucleotide variant.
Coding change: c.568G>A on transcript NM_000452.3 (MANE Select); coding-DNA position 568, G replaced by A.
Protein change: p.Ala190Thr; replaces alanine 190 with threonine.
Molecular consequence: missense variant.
Genome position (GRCh38, 1-based): chr13:103,052,637, C>T on the plus strand (G>A on the coding strand, the complement: SLC10A2 is on the minus strand). VCF-style: chr13-103052637-C-T. GRCh37 (hg19) VCF-style: chr13-103704987-C-T.
Other names: c.568G>A (NM_000452.2); short protein forms A190T.
Identifiers: ClinVar variation 2152819 (VCV002152819.6), dbSNP rs200735895, ClinGen allele CA7042153.

ClinVar aggregate classification (germline): Uncertain significance. Review status: criteria provided, multiple submitters, no conflicts (2 of 4 stars). 2 submissions from 2 submitters: Uncertain significance (2). Last evaluated 2026-06-23.

Conditions:
SLC10A2-related disorder. Also called: SLC10A2-related condition.

Allele frequency attached by ClinVar (database versions not stated): TOPMed 0.00003.
gnomAD v4.1: 76 of 1,609,790 alleles (0.0047%); highest among the groups gnomAD compares: Middle Eastern, 0.082%; no homozygotes.

Submissions (2):

PreventionGenetics, part of Exact Sciences
Classification: Uncertain significance for SLC10A2-related condition. Last evaluated: 2026-06-23. Review status: criteria provided, single submitter. Criteria: ACMG Guidelines, 2015. Collection method: clinical testing. Allele origin: germline.
Comment: The SLC10A2 c.568G>A variant is predicted to result in the amino acid substitution p.Ala190Thr. To our knowledge, this variant has not been reported in the literature. This variant is reported in 0.011% of alleles in individuals of European (non-Finnish) descent in gnomAD. At this time, the clinical significance of this variant is uncertain due to the absence of conclusive functional and genetic evidence.

Labcorp Genetics (formerly Invitae), Labcorp
Classification: Uncertain significance. Last evaluated: 2025-08-16. Review status: criteria provided, single submitter. Criteria: Invitae Variant Classification Sherloc (09022015). Collection method: clinical testing. Allele origin: germline.
Comment: This sequence change replaces alanine, which is neutral and non-polar, with threonine, which is neutral and polar, at codon 190 of the SLC10A2 protein (p.Ala190Thr). This variant is present in population databases (rs200735895, gnomAD 0.01%). This variant has not been reported in the literature in individuals affected with SLC10A2-related conditions. ClinVar contains an entry for this variant (Variation ID: 2152819). Invitae Evidence Modeling of protein sequence and biophysical properties (such as structural, functional, and spatial information, amino acid conservation, physicochemical variation, residue mobility, and thermodynamic stability) indicates that this missense variant is not expected to disrupt SLC10A2 protein function with a negative predictive value of 80%. In summary, the available evidence is currently insufficient to determine the role of this variant in disease. Therefore, it has been classified as a Variant of Uncertain Significance.